The following is an entry in ClinVar:

ClinVar aggregate classification (germline): Uncertain significance. Review status: criteria provided, single submitter (1 of 4 stars). 2 submissions from 2 submitters: Uncertain significance (1). 1 of the submissions does not count toward it. Last evaluated 2025-11-17.

Conditions:
INPP5E-related disorder. Also called: INPP5E-related condition.
Joubert syndrome. Also called: Familial aplasia of the vermis; CEREBELLOPARENCHYMAL DISORDER IV; JOUBERT-BOLTSHAUSER SYNDROME. Identifiers: Orphanet 475, MedGen C5979921, MONDO:0018772.

Allele frequency attached by ClinVar (database versions not stated): gnomAD 0.00001; TOPMed 0.00001; ExAC 0.00003; ESP Exome Variant Server 0.00008.

Submissions (2):

Labcorp Genetics (formerly Invitae), Labcorp
Classification: Uncertain significance for Joubert syndrome. Last evaluated: 2025-11-17. Review status: criteria provided, single submitter. Criteria: Invitae Variant Classification Sherloc (09022015). Collection method: clinical testing. Allele origin: germline.
Comment: This sequence change replaces glutamine, which is neutral and polar, with glutamic acid, which is acidic and polar, at codon 400 of the INPP5E protein (p.Gln400Glu). This variant is present in population databases (rs147285345, gnomAD 0.003%). This variant has not been reported in the literature in individuals affected with INPP5E-related conditions. ClinVar contains an entry for this variant (Variation ID: 970463). Invitae Evidence Modeling of protein sequence and biophysical properties (such as structural, functional, and spatial information, amino acid conservation, physicochemical variation, residue mobility, and thermodynamic stability) has been performed for this missense variant. However, the output from this modeling did not meet the statistical confidence thresholds required to predict the impact of this variant on INPP5E protein function. In summary, the available evidence is currently insufficient to determine the role of this variant in disease. Therefore, it has been classified as a Variant of Uncertain Significance.

PreventionGenetics, part of Exact Sciences
Classification: Uncertain significance for INPP5E-related condition. Last evaluated: 2024-08-05. Review status: no assertion criteria provided. Collection method: clinical testing. Allele origin: germline. Not counted in ClinVar's aggregate classification.
Comment: The INPP5E c.1198C>G variant is predicted to result in the amino acid substitution p.Gln400Glu. To our knowledge, this variant has not been reported in the literature. This variant is reported in 0.0027% of alleles in individuals of European (Non-Finnish) descent in gnomAD. At this time, the clinical significance of this variant is uncertain due to the absence of conclusive functional and genetic evidence.

NM_019892.6(INPP5E):c.1198C>G (p.Gln400Glu)

Gene: INPP5E (inositol polyphosphate-5-phosphatase E; minus strand). Cytogenetic location: 9q34.3.
Variant type: single nucleotide variant.
Coding change: c.1198C>G on transcript NM_019892.6 (MANE Select); coding-DNA position 1198, C replaced by G.
Protein change: p.Gln400Glu; replaces glutamine 400 with glutamic acid.
Molecular consequence: missense variant.
Genome position (GRCh38, 1-based): chr9:136,433,037, G>C on the plus strand (C>G on the coding strand, the complement: INPP5E is on the minus strand). VCF-style: chr9-136433037-G-C. GRCh37 (hg19) VCF-style: chr9-139327489-G-C.
Other names: c.1198C>G, p.Gln400Glu (NM_001318502.2); c.1198C>G (NM_019892.5); short protein forms Q400E.
Identifiers: ClinVar variation 970463 (VCV000970463.9), dbSNP rs147285345, ClinGen allele CA5336882.